The following is an entry in ClinVar:

NM_000257.4(MYH7):c.2424-12G>T

Genes: MYH7 (myosin heavy chain 7; minus strand), LOC126861898 (BRD4-independent group 4 enhancer GRCh37_chr14:23893609-23894808; plus strand). Cytogenetic location: 14q11.2.
Variant type: single nucleotide variant.
Coding change: c.2424-12G>T on transcript NM_000257.4 (MANE Select); 12 bases into the intron before coding-DNA position 2424, G replaced by T.
Molecular consequence: intron variant.
Genome position (GRCh38, 1-based): chr14:23,425,036, C>A on the plus strand (G>T on the coding strand, the complement: MYH7 is on the minus strand). VCF-style: chr14-23425036-C-A. GRCh37 (hg19) VCF-style: chr14-23894245-C-A.
Identifiers: ClinVar variation 164333 (VCV000164333.4), dbSNP rs727503257, ClinGen allele CA012316.

ClinVar aggregate classification (germline): Uncertain significance (1 of 4 stars; one submission).

Submission:

Laboratory for Molecular Medicine, Mass General Brigham Personalized Medicine
Classification: Uncertain significance. Last evaluated: 2014-02-06. Review status: criteria provided, single submitter. Criteria: LMM Criteria. Collection method: clinical testing. Allele origin: germline. Observed: 1 variant allele.
Comment: Variant classified as Uncertain Significance - Favor Benign. The 2424-12G>T vari ant in MYH7 has not been previously reported in individuals with cardiomyopathy and was absent from large population studies. This variant is located in the 3' splice region. Computational tools do not suggest an impact to splicing, though this information is not predictive enough to rule out pathogenicity. Although th is data supports that this variant may be benign, additional studies are needed to fully assess its clinical significance.